The following is an entry in ClinVar:

ClinVar aggregate classification (germline): Uncertain significance (1 of 4 stars; one submission).

Submission:

Labcorp Genetics (formerly Invitae), Labcorp
Classification: Uncertain significance. Last evaluated: 2022-06-03. Review status: criteria provided, single submitter. Criteria: Invitae Variant Classification Sherloc (09022015). Collection method: clinical testing. Allele origin: germline.
Comment: In summary, the available evidence is currently insufficient to determine the role of this variant in disease. Therefore, it has been classified as a Variant of Uncertain Significance. Algorithms developed to predict the effect of sequence changes on RNA splicing suggest that this variant may disrupt the consensus splice site. This variant has not been reported in the literature in individuals affected with ATR-related conditions. This variant is not present in population databases (gnomAD no frequency). This sequence change falls in intron 44 of the ATR gene. It does not directly change the encoded amino acid sequence of the ATR protein.

NM_001184.4(ATR):c.7504-6T>G

Gene: ATR (ATR checkpoint kinase; minus strand). Cytogenetic location: 3q23.
Variant type: single nucleotide variant.
Coding change: c.7504-6T>G on transcript NM_001184.4 (MANE Select); 6 bases into the intron before coding-DNA position 7504, T replaced by G.
Molecular consequence: intron variant.
Genome position (GRCh38, 1-based): chr3:142,457,761, A>C on the plus strand (T>G on the coding strand, the complement: ATR is on the minus strand). VCF-style: chr3-142457761-A-C. GRCh37 (hg19) VCF-style: chr3-142176603-A-C.
Other names: c.7312-6T>G (NM_001354579.2).
Identifiers: ClinVar variation 2143474 (VCV002143474.4), dbSNP rs1347342174, ClinGen allele CA2580068885.